The following is an entry in ClinVar:

ClinVar aggregate classification (germline): Uncertain significance. Review status: criteria provided, multiple submitters, no conflicts (2 of 4 stars). 2 submissions from 2 submitters: Uncertain significance (2). Last evaluated 2024-06-25.

Allele frequency attached by ClinVar (database versions not stated): ExAC 0.00003; gnomAD 0.00009; TOPMed 0.00011; 1000 Genomes Project 0.00020; 1000 Genomes Project 30x 0.00031.
gnomAD v4.1: 37 of 1,610,696 alleles (0.0023%); highest among the groups gnomAD compares: African/African-American, 0.044%; no homozygotes.

Submissions (2):

GeneDx
Classification: Uncertain significance. Last evaluated: 2024-06-25. Review status: criteria provided, single submitter. Criteria: GeneDx Variant Classification Process June 2021. Collection method: clinical testing. Allele origin: germline. Affected: yes.
Comment: In silico analysis supports that this missense variant has a deleterious effect on protein structure/function; Has not been previously published as pathogenic or benign to our knowledge

Ambry Genetics
Classification: Uncertain significance. Last evaluated: 2021-08-13. Review status: criteria provided, single submitter. Criteria: Ambry Variant Classification Scheme 2023. Collection method: clinical testing. Allele origin: germline.

NM_007208.4(MRPL3):c.395A>G (p.Tyr132Cys)

Gene: MRPL3 (mitochondrial ribosomal protein L3; minus strand). Cytogenetic location: 3q22.1.
Variant type: single nucleotide variant.
Coding change: c.395A>G on transcript NM_007208.4 (MANE Select); coding-DNA position 395, A replaced by G.
Protein change: p.Tyr132Cys; replaces tyrosine 132 with cysteine.
Molecular consequence: missense variant.
Genome position (GRCh38, 1-based): chr3:131,498,252, T>C on the plus strand (A>G on the coding strand, the complement: MRPL3 is on the minus strand). VCF-style: chr3-131498252-T-C. GRCh37 (hg19) VCF-style: chr3-131217096-T-C.
Other names: short protein forms Y132C.
Identifiers: ClinVar variation 2244767 (VCV002244767.3), dbSNP rs553214138, ClinGen allele CA2617132.